The following is an entry in ClinVar:

ClinVar aggregate classification (germline): Pathogenic (1 of 4 stars; one submission).

Submission:

Labcorp Genetics (formerly Invitae), Labcorp
Classification: Pathogenic. Last evaluated: 2021-02-03. Review status: criteria provided, single submitter. Criteria: Invitae Variant Classification Sherloc (09022015). Collection method: clinical testing. Allele origin: germline.
Comment: This sequence change creates a premature translational stop signal (p.Trp535*) in the TBCK gene. It is expected to result in an absent or disrupted protein product. Loss-of-function variants in TBCK are known to be pathogenic (PMID: 27040692, 30103036). This variant is not present in population databases (ExAC no frequency). This variant has not been reported in the literature in individuals with TBCK-related conditions. For these reasons, this variant has been classified as Pathogenic.

Literature cited by the submitters: PubMed 27040692; PubMed 30103036.

NM_001163435.3(TBCK):c.1605G>A (p.Trp535Ter)

Gene: TBCK (TBC1 domain containing kinase; minus strand). Cytogenetic location: 4q24.
Variant type: single nucleotide variant.
Coding change: c.1605G>A on transcript NM_001163435.3 (MANE Select); coding-DNA position 1605, G replaced by A.
Protein change: p.Trp535Ter; replaces tryptophan 535 with a stop codon.
Molecular consequence: nonsense.
Genome position (GRCh38, 1-based): chr4:106,232,972, C>T on the plus strand (G>A on the coding strand, the complement: TBCK is on the minus strand). VCF-style: chr4-106232972-C-T. GRCh37 (hg19) VCF-style: chr4-107154129-C-T.
Other names: c.1605G>A, p.Trp535Ter (NM_001163436.4); c.1488G>A, p.Trp496Ter (NM_001163437.3); c.1089G>A, p.Trp363Ter (NM_001290768.2); c.1416G>A, p.Trp472Ter (NM_033115.5); short protein forms W472*, W363*, W535*, W496*.
Identifiers: ClinVar variation 1452987 (VCV001452987.6), dbSNP rs2149997387, ClinGen allele CA357822360.